The following is an entry in ClinVar:

NM_000414.4(HSD17B4):c.113-2251C>A

Gene: HSD17B4 (hydroxysteroid 17-beta dehydrogenase 4; plus strand). Cytogenetic location: 5q23.1.
Variant type: single nucleotide variant.
Coding change: c.113-2251C>A on transcript NM_000414.4 (MANE Select); 2251 bases into the intron before coding-DNA position 113, C replaced by A.
Molecular consequence: intron variant. On other transcripts: missense variant (1), 5 prime UTR variant (3).
Genome position (GRCh38, 1-based): chr5:119,471,657, C>A. VCF-style: chr5-119471657-C-A. GRCh37 (hg19) VCF-style: chr5-118807352-C-A.
Other names: c.144C>A, p.Asn48Lys (NM_001199291.3); c.-4C>A (NM_001292027.2); c.-212C>A (NM_001374499.1); c.-348C>A (NM_001374503.1); c.-304-2251C>A (NM_001374502.1); c.-426-2251C>A (NM_001374500.1); c.-299-2251C>A (NM_001374501.1, NM_001292028.2); c.113-2251C>A (NM_001374498.1, NM_001374497.1); and 1 more; short protein forms N48K.
Identifiers: ClinVar variation 4989782 (VCV004989782.1).

ClinVar aggregate classification (germline): Uncertain significance (1 of 4 stars; one submission).

Conditions:
HSD17B4-related disorder. Also called: HSD17B4-related disorders; HSD17B4-related condition.

gnomAD v4.1: 10 of 1,445,920 alleles (0.00069%); highest among the groups gnomAD compares: Admixed American, 0.018%; no homozygotes.

Submission:

PreventionGenetics, part of Exact Sciences
Classification: Uncertain significance for HSD17B4-related condition. Last evaluated: 2026-08-06. Review status: criteria provided, single submitter. Criteria: ACMG Guidelines, 2015. Collection method: clinical testing. Allele origin: germline.
Comment: The HSD17B4 c.144C>A variant is predicted to result in the amino acid substitution p.Asn48Lys. To our knowledge, this variant has not been reported in the literature. This variant is reported in 0.022% of alleles in individuals of Latino descent in gnomAD. At this time, the clinical significance of this variant is uncertain due to the absence of conclusive functional and genetic evidence.